The following is an entry in ClinVar:

ClinVar aggregate classification (germline): Uncertain significance. Review status: criteria provided, multiple submitters, no conflicts (2 of 4 stars). 3 submissions from 3 submitters: Uncertain significance (3). Last evaluated 2025-06-12.

Conditions:
Inborn genetic diseases. Identifiers: MedGen C0950123, MeSH D030342.
Dowling-Degos disease 2 (DDD2). Identifiers: Orphanet 79145, MedGen C3809147, MONDO:0014130, OMIM 615327.

Allele frequency attached by ClinVar (database versions not stated): gnomAD exomes 0.00001; ExAC 0.00006; gnomAD 0.00012; TOPMed 0.00016; ESP Exome Variant Server 0.00031.
gnomAD v4.1: 34 of 1,614,008 alleles (0.0021%); highest among the groups gnomAD compares: African/African-American, 0.039%; no homozygotes.

Submissions (3):

Labcorp Genetics (formerly Invitae), Labcorp
Classification: Uncertain significance for Dowling-Degos disease 2. Last evaluated: 2025-06-12. Review status: criteria provided, single submitter. Criteria: Invitae Variant Classification Sherloc (09022015). Collection method: clinical testing. Allele origin: germline.
Comment: This sequence change replaces histidine, which is basic and polar, with arginine, which is basic and polar, at codon 76 of the POFUT1 protein (p.His76Arg). This variant is present in population databases (rs142484235, gnomAD 0.06%), and has an allele count higher than expected for a pathogenic variant. This variant has not been reported in the literature in individuals affected with POFUT1-related conditions. ClinVar contains an entry for this variant (Variation ID: 2409829). An algorithm developed to predict the effect of missense changes on protein structure and function (PolyPhen-2) suggests that this variant is likely to be tolerated. In summary, the available evidence is currently insufficient to determine the role of this variant in disease. Therefore, it has been classified as a Variant of Uncertain Significance.

Ambry Genetics
Classification: Uncertain significance for Inborn genetic diseases. Last evaluated: 2021-07-27. Review status: criteria provided, single submitter. Criteria: Ambry Variant Classification Scheme 2023. Collection method: clinical testing. Allele origin: germline.

Breakthrough Genomics
Classification: Uncertain significance. Review status: criteria provided, single submitter. Criteria: ACMG Guidelines, 2015. Collection method: not provided. Allele origin: germline. Inheritance: Autosomal dominant inheritance. Affected: yes.

NM_015352.2(POFUT1):c.227A>G (p.His76Arg)

Gene: POFUT1 (protein O-fucosyltransferase 1; plus strand). Cytogenetic location: 20q11.21.
Variant type: single nucleotide variant.
Coding change: c.227A>G on transcript NM_015352.2 (MANE Select); coding-DNA position 227, A replaced by G.
Protein change: p.His76Arg; replaces histidine 76 with arginine.
Molecular consequence: missense variant.
Genome position (GRCh38, 1-based): chr20:32,210,173, A>G. VCF-style: chr20-32210173-A-G. GRCh37 (hg19) VCF-style: chr20-30797976-A-G.
Other names: c.227A>G, p.His76Arg (NM_172236.2); short protein forms H76R.
Identifiers: ClinVar variation 2409829 (VCV002409829.4), dbSNP rs142484235, ClinGen allele CA9807130.